The following is an entry in ClinVar:

NM_017780.4(CHD7):c.6109C>A (p.Pro2037Thr)

Gene: CHD7 (chromodomain helicase DNA binding protein 7; plus strand). Cytogenetic location: 8q12.2.
Variant type: single nucleotide variant.
Coding change: c.6109C>A on transcript NM_017780.4 (MANE Select); coding-DNA position 6109, C replaced by A.
Protein change: p.Pro2037Thr; replaces proline 2037 with threonine.
Molecular consequence: missense variant. On other transcripts: intron variant (1).
Genome position (GRCh38, 1-based): chr8:60,852,834, C>A. VCF-style: chr8-60852834-C-A. GRCh37 (hg19) VCF-style: chr8-61765393-C-A.
Other names: c.1717-9395C>A (NM_001316690.1); short protein forms P2037T.
Identifiers: ClinVar variation 1751652 (VCV001751652.2), dbSNP rs1284580155, ClinGen allele CA371324219.

ClinVar aggregate classification (germline): Uncertain significance (1 of 4 stars; one submission).

Conditions:
Inborn genetic diseases. Identifiers: MedGen C0950123, MeSH D030342.

Submission:

Ambry Genetics
Classification: Uncertain significance for Inborn genetic diseases. Last evaluated: 2022-03-04. Review status: criteria provided, single submitter. Criteria: Ambry Variant Classification Scheme 2023. Collection method: clinical testing. Allele origin: germline.
Comment: The p.P2037T variant (also known as c.6109C>A), located in coding exon 30 of the CHD7 gene, results from a C to A substitution at nucleotide position 6109. The proline at codon 2037 is replaced by threonine, an amino acid with highly similar properties. This amino acid position is conserved. In addition, the in silico prediction for this alteration is inconclusive. Since supporting evidence is limited at this time, the clinical significance of this alteration remains unclear.